The following is an entry in ClinVar:

ClinVar aggregate classification (germline): Uncertain significance (1 of 4 stars; one submission).

Submission:

Labcorp Genetics (formerly Invitae), Labcorp
Classification: Uncertain significance. Last evaluated: 2022-11-22. Review status: criteria provided, single submitter. Criteria: Invitae Variant Classification Sherloc (09022015). Collection method: clinical testing. Allele origin: germline.
Comment: In summary, the available evidence is currently insufficient to determine the role of this variant in disease. Therefore, it has been classified as a Variant of Uncertain Significance. Advanced modeling of protein sequence and biophysical properties (such as structural, functional, and spatial information, amino acid conservation, physicochemical variation, residue mobility, and thermodynamic stability) performed at Invitae indicates that this missense variant is not expected to disrupt ADGRV1 protein function. ClinVar contains an entry for this variant (Variation ID: 1064239). This variant has not been reported in the literature in individuals affected with ADGRV1-related conditions. This variant is not present in population databases (gnomAD no frequency). This sequence change replaces isoleucine, which is neutral and non-polar, with methionine, which is neutral and non-polar, at codon 3903 of the ADGRV1 protein (p.Ile3903Met).

NM_032119.4(ADGRV1):c.11709A>G (p.Ile3903Met)

Gene: ADGRV1 (adhesion G protein-coupled receptor V1; plus strand). Cytogenetic location: 5q14.3.
Variant type: single nucleotide variant.
Coding change: c.11709A>G on transcript NM_032119.4 (MANE Select); coding-DNA position 11709, A replaced by G.
Protein change: p.Ile3903Met; replaces isoleucine 3903 with methionine.
Molecular consequence: missense variant. On other transcripts: non-coding transcript variant (1).
Genome position (GRCh38, 1-based): chr5:90,756,582, A>G. VCF-style: chr5-90756582-A-G. GRCh37 (hg19) VCF-style: chr5-90052399-A-G.
Other names: short protein forms I3903M.
Identifiers: ClinVar variation 1064239 (VCV001064239.9), dbSNP rs2149981961, ClinGen allele CA360369859.